The following is an entry in ClinVar:

ClinVar aggregate classification (germline): Uncertain significance. Review status: criteria provided, multiple submitters, no conflicts (2 of 4 stars). 3 submissions from 3 submitters: Uncertain significance (3). Last evaluated 2025-07-30.

Conditions:
Oligodontia-cancer predisposition syndrome. Also called: TOOTH AGENESIS-COLORECTAL CANCER SYNDROME. Identifiers: Orphanet 300576, MedGen C1837750, MONDO:0012075, OMIM 608615. Disease mechanism: loss of function.
Colorectal cancer. Also called: Colorectal cancer, somatic; Malignant Colorectal Neoplasm. Identifiers: MedGen C0346629, MONDO:0005575, OMIM 114500.
Hereditary cancer-predisposing syndrome. Also called: Neoplastic Syndromes, Hereditary; Tumor predisposition; Hereditary neoplastic syndrome; Hereditary Cancer Syndrome. Identifiers: Orphanet 140162, MedGen C0027672, MeSH D009386, MONDO:0015356.

Allele frequency attached by ClinVar (database versions not stated): TOPMed below 0.00001; gnomAD 0.00001.

Submissions (3):

Labcorp Genetics (formerly Invitae), Labcorp
Classification: Uncertain significance for Oligodontia-cancer predisposition syndrome. Last evaluated: 2025-07-30. Review status: criteria provided, single submitter. Criteria: Invitae Variant Classification Sherloc (09022015). Collection method: clinical testing. Allele origin: germline.
Comment: This sequence change replaces serine, which is neutral and polar, with leucine, which is neutral and non-polar, at codon 413 of the AXIN2 protein (p.Ser413Leu). The frequency data for this variant in the population databases is considered unreliable, as metrics indicate poor data quality at this position in the gnomAD database. This variant has not been reported in the literature in individuals affected with AXIN2-related conditions. ClinVar contains an entry for this variant (Variation ID: 578711). An algorithm developed to predict the effect of missense changes on protein structure and function outputs the following: PolyPhen-2: "Benign". The leucine amino acid residue is found in multiple mammalian species, which suggests that this missense change does not adversely affect protein function. In summary, the available evidence is currently insufficient to determine the role of this variant in disease. Therefore, it has been classified as a Variant of Uncertain Significance.

Ambry Genetics
Classification: Uncertain significance for Hereditary cancer-predisposing syndrome. Last evaluated: 2025-04-20. Review status: criteria provided, single submitter. Criteria: Ambry Variant Classification Scheme 2023. Collection method: clinical testing. Allele origin: germline.
Comment: The p.S413L variant (also known as c.1238C>T), located in coding exon 5 of the AXIN2 gene, results from a C to T substitution at nucleotide position 1238. The serine at codon 413 is replaced by leucine, an amino acid with dissimilar properties. This amino acid position is not well conserved in available vertebrate species. In addition, this alteration is predicted to be tolerated by in silico analysis. Since supporting evidence is limited at this time, the clinical significance of this alteration remains unclear.

Baylor Genetics
Classification: Uncertain significance for Colorectal cancer. Last evaluated: 2023-06-16. Review status: criteria provided, single submitter. Criteria: ACMG Guidelines, 2015. Collection method: clinical testing. Allele origin: unknown.

NM_004655.4(AXIN2):c.1238C>T (p.Ser413Leu)

Gene: AXIN2 (axin 2; minus strand). Cytogenetic location: 17q24.1.
Variant type: single nucleotide variant.
Coding change: c.1238C>T on transcript NM_004655.4 (MANE Select); coding-DNA position 1238, C replaced by T.
Protein change: p.Ser413Leu; replaces serine 413 with leucine.
Molecular consequence: missense variant.
Genome position (GRCh38, 1-based): chr17:65,537,798, G>A on the plus strand (C>T on the coding strand, the complement: AXIN2 is on the minus strand). VCF-style: chr17-65537798-G-A. GRCh37 (hg19) VCF-style: chr17-63533916-G-A.
Other names: c.1238C>T (LRG_296t1); c.1238C>T, p.Ser413Leu (NM_001363813.1); short protein forms S413L.
Identifiers: ClinVar variation 578711 (VCV000578711.13), dbSNP rs1399215718, ClinGen allele CA400677897.